The following is an entry in ClinVar:

ClinVar aggregate classification (germline): Uncertain significance (1 of 4 stars; one submission).

Conditions:
Muscle AMP deaminase deficiency (MMDD). Also called: Adenosine monophosphate deaminase 1 deficiency; AMP deaminase 1 deficiency; Adenosine Monophosphate Deaminase 1; Myoadenylate deaminase deficiency, myopathy due to; ADENOSINE MONOPHOSPHATE DEAMINASE-1 DEFICIENCY, MYOPATHY DUE TO; AMPD1 DEFICIENCY. Identifiers: Orphanet 45, MedGen C3714933, MONDO:0014220, OMIM 615511.

Allele frequency attached by ClinVar (database versions not stated): gnomAD exomes 0.00001; TOPMed 0.00001; ExAC 0.00002; gnomAD 0.00002.
gnomAD v4.1: 10 of 1,613,980 alleles (0.00062%); highest among the groups gnomAD compares: Admixed American, 0.017%; no homozygotes.

Submission:

Labcorp Genetics (formerly Invitae), Labcorp
Classification: Uncertain significance for Muscle AMP deaminase deficiency. Last evaluated: 2022-07-29. Review status: criteria provided, single submitter. Criteria: Invitae Variant Classification Sherloc (09022015). Collection method: clinical testing. Allele origin: germline.
Comment: In summary, the available evidence is currently insufficient to determine the role of this variant in disease. Therefore, it has been classified as a Variant of Uncertain Significance. Algorithms developed to predict the effect of missense changes on protein structure and function are either unavailable or do not agree on the potential impact of this missense change (SIFT: "Deleterious"; PolyPhen-2: "Probably Damaging"; Align-GVGD: "Class C0"). This variant has not been reported in the literature in individuals affected with AMPD1-related conditions. This variant is present in population databases (rs756803538, gnomAD 0.02%). This sequence change replaces phenylalanine, which is neutral and non-polar, with isoleucine, which is neutral and non-polar, at codon 148 of the AMPD1 protein (p.Phe148Ile).

NM_000036.3(AMPD1):c.343T>A (p.Phe115Ile)

Gene: AMPD1 (adenosine monophosphate deaminase 1; minus strand). Cytogenetic location: 1p13.2.
Variant type: single nucleotide variant.
Coding change: c.343T>A on transcript NM_000036.3 (MANE Select); coding-DNA position 343, T replaced by A.
Protein change: p.Phe115Ile; replaces phenylalanine 115 with isoleucine.
Molecular consequence: missense variant.
Genome position (GRCh38, 1-based): chr1:114,686,783, A>T on the plus strand (T>A on the coding strand, the complement: AMPD1 is on the minus strand). VCF-style: chr1-114686783-A-T. GRCh37 (hg19) VCF-style: chr1-115229404-A-T.
Other names: c.331T>A, p.Phe111Ile (NM_001172626.2); short protein forms F115I, F111I.
Identifiers: ClinVar variation 2065017 (VCV002065017.3), dbSNP rs756803538, ClinGen allele CA1020464.